The following is an entry in ClinVar:

ClinVar aggregate classification (germline): Uncertain significance. Review status: criteria provided, multiple submitters, no conflicts (2 of 4 stars). 4 submissions from 4 submitters: Uncertain significance (3). 1 of the submissions does not count toward it. Last evaluated 2023-08-29.

Conditions:
Charcot-Marie-Tooth disease. Also called: Charcot-Marie-Tooth Hereditary Neuropathy; Charcot-Marie-Tooth Neuropathy. Identifiers: Orphanet 166, MedGen C0007959, MONDO:0015626.
Inborn genetic diseases. Identifiers: MedGen C0950123, MeSH D030342.
Charcot-Marie-Tooth disease type 4. Also called: Charcot-Marie-Tooth, Type 4; Charcot-Marie-Tooth disease, type IV. Identifiers: Orphanet 64749, MedGen C4082197, MONDO:0018995.

Allele frequency attached by ClinVar (database versions not stated): gnomAD exomes 0.00001; TOPMed 0.00001.
gnomAD v4.1: 17 of 1,614,176 alleles (0.0011%); highest among the groups gnomAD compares: Non-Finnish European, 0.0013%; no homozygotes.

Submissions (4):

Women's Health and Genetics/Laboratory Corporation of America, LabCorp
Classification: Uncertain significance. Last evaluated: 2023-08-29. Review status: criteria provided, single submitter. Criteria: LabCorp Variant Classification Summary - May 2015. Collection method: clinical testing. Allele origin: germline.
Comment: Variant summary: SH3TC2 c.3379C>T (p.Arg1127Trp) results in a non-conservative amino acid change to a highly conserved residue (HGMD) in the encoded protein sequence. Five of five in-silico tools predict a damaging effect of the variant on protein function. The variant was absent in 251480 control chromosomes (gnomAD). c.3379C>T has been reported in the literature in the homozygous state in an individual affected with Charcot-Marie Disease Type 4C (Hayashi_2014). These data indicate that the variant may be associated with disease. To our knowledge, no experimental evidence demonstrating an impact on protein function has been reported. Two submitters have cited clinical-significance assessments for this variant to ClinVar after 2014. Both submitters classified the variant as uncertain significance. Based on the evidence outlined above, the variant was classified as VUS-possibly pathogenic.

Labcorp Genetics (formerly Invitae), Labcorp
Classification: Uncertain significance for Charcot-Marie-Tooth disease type 4. Last evaluated: 2021-08-31. Review status: criteria provided, single submitter. Criteria: Invitae Variant Classification Sherloc (09022015). Collection method: clinical testing. Allele origin: germline.
Comment: This sequence change replaces arginine with tryptophan at codon 1127 of the SH3TC2 protein (p.Arg1127Trp). The arginine residue is highly conserved and there is a moderate physicochemical difference between arginine and tryptophan. This variant is not present in population databases (ExAC no frequency). This missense change has been observed in individual(s) with Charcot-Marie-Tooth disease (PMID: 23466821). ClinVar contains an entry for this variant (Variation ID: 637412). Algorithms developed to predict the effect of missense changes on protein structure and function (SIFT, PolyPhen-2, Align-GVGD) all suggest that this variant is likely to be disruptive. In summary, the available evidence is currently insufficient to determine the role of this variant in disease. Therefore, it has been classified as a Variant of Uncertain Significance.

Ambry Genetics
Classification: Uncertain significance for Inborn genetic diseases. Last evaluated: 2021-06-03. Review status: criteria provided, single submitter. Criteria: Ambry Variant Classification Scheme 2023. Collection method: clinical testing. Allele origin: germline.
Comment: The p.R1127W variant (also known as c.3379C>T), located in coding exon 15 of the SH3TC2 gene, results from a C to T substitution at nucleotide position 3379. The arginine at codon 1127 is replaced by tryptophan, an amino acid with dissimilar properties. This amino acid position is highly conserved in available vertebrate species. In addition, this alteration is predicted to be deleterious by in silico analysis. Since supporting evidence is limited at this time, the clinical significance of this alteration remains unclear.

Inherited Neuropathy Consortium
Classification: Uncertain significance for Charcot-Marie-Tooth disease. Review status: no assertion criteria provided. Collection method: literature only. Allele origin: germline. Affected: yes. Not counted in ClinVar's aggregate classification.

Literature cited by the submitters: PubMed 23466821 (cited by 4 submitters).

NM_024577.4(SH3TC2):c.3379C>T (p.Arg1127Trp)

Gene: SH3TC2 (SH3 domain and tetratricopeptide repeats 2; minus strand). Cytogenetic location: 5q32.
Variant type: single nucleotide variant.
Coding change: c.3379C>T on transcript NM_024577.4 (MANE Select); coding-DNA position 3379, C replaced by T.
Protein change: p.Arg1127Trp; replaces arginine 1127 with tryptophan.
Molecular consequence: missense variant.
Genome position (GRCh38, 1-based): chr5:149,008,950, G>A on the plus strand (C>T on the coding strand, the complement: SH3TC2 is on the minus strand). VCF-style: chr5-149008950-G-A. GRCh37 (hg19) VCF-style: chr5-148388513-G-A.
Other names: short protein forms R1127W.
Identifiers: ClinVar variation 637412 (VCV000637412.11), dbSNP rs1580888993, ClinGen allele CA361664656.